The following is an entry in ClinVar:

ClinVar aggregate classification (germline): Uncertain significance (1 of 4 stars; one submission).

Conditions:
Combined immunodeficiency due to STIM1 deficiency. Also called: IMMUNODEFICIENCY 10; STIM1 DEFICIENCY. Identifiers: Orphanet 169090, Orphanet 317430, MedGen C2748557, MONDO:0013008, OMIM 612783.
Myopathy with tubular aggregates (TAM). Also called: Tubular Aggregate Myopathy. Identifiers: Orphanet 2593, MedGen C0410207, MONDO:0008051.
Stormorken syndrome (STRMK). Also called: THROMBOCYTOPATHY, ASPLENIA, AND MIOSIS. Identifiers: Orphanet 3204, MedGen C1861451, MONDO:0008497, OMIM 185070.

Allele frequency attached by ClinVar (database versions not stated): TOPMed below 0.00001; gnomAD 0.00004; ExAC 0.00005; 1000 Genomes Project 30x 0.00016; 1000 Genomes Project 0.00020.
gnomAD v4.1: 40 of 1,614,194 alleles (0.0025%); highest among the groups gnomAD compares: Non-Finnish European, 0.00017%; no homozygotes.

Submission:

Labcorp Genetics (formerly Invitae), Labcorp
Classification: Uncertain significance for Myopathy with tubular aggregates; Combined immunodeficiency due to STIM1 deficiency; Stormorken syndrome. Last evaluated: 2023-12-21. Review status: criteria provided, single submitter. Criteria: Invitae Variant Classification Sherloc (09022015). Collection method: clinical testing. Allele origin: germline.
Comment: This sequence change replaces histidine, which is basic and polar, with tyrosine, which is neutral and polar, at codon 588 of the STIM1 protein (p.His588Tyr). This variant is present in population databases (rs201297020, gnomAD 0.05%). This variant has not been reported in the literature in individuals affected with STIM1-related conditions. Advanced modeling of protein sequence and biophysical properties (such as structural, functional, and spatial information, amino acid conservation, physicochemical variation, residue mobility, and thermodynamic stability) performed at Invitae indicates that this missense variant is not expected to disrupt STIM1 protein function with a negative predictive value of 80%. In summary, the available evidence is currently insufficient to determine the role of this variant in disease. Therefore, it has been classified as a Variant of Uncertain Significance.

NM_001382567.1(STIM1):c.1855C>T (p.His619Tyr)

Genes: STIM1 (stromal interaction molecule 1; plus strand), LOC124418421 (Sharpr-MPRA regulatory region 9588; plus strand). Cytogenetic location: 11p15.4.
Variant type: single nucleotide variant.
Coding change: c.1855C>T on transcript NM_001382567.1 (MANE Select); coding-DNA position 1855, C replaced by T.
Protein change: p.His619Tyr; replaces histidine 619 with tyrosine.
Molecular consequence: missense variant. On other transcripts: 3 prime UTR variant (4), non-coding transcript variant (3).
Genome position (GRCh38, 1-based): chr11:4,091,502, C>T. VCF-style: chr11-4091502-C-T. GRCh37 (hg19) VCF-style: chr11-4112732-C-T.
Other names: c.*176C>T (NM_001382580.1, NM_001277962.2, NM_001382578.1 and 1 more transcripts); c.1273C>T, p.His425Tyr (NM_001382581.1); c.1762C>T, p.His588Tyr (NM_003156.4); c.2080C>T, p.His694Tyr (NM_001277961.3); c.1858C>T, p.His620Tyr (NM_001382566.1); c.1783C>T, p.His595Tyr (NM_001382568.1); c.1627C>T, p.His543Tyr (NM_001382569.1); c.1534C>T, p.His512Tyr (NM_001382570.1); and 2 more; short protein forms H512Y, H588Y, H595Y, H694Y, H428Y, H514Y, H619Y, H620Y.
Identifiers: ClinVar variation 2940738 (VCV002940738.3), dbSNP rs201297020, ClinGen allele CA5830622.
Genomic context (GRCh38, chr11:4,091,502, plus strand): 5'-CTGGTGGAGAAACTGCCTGACAGCCCTGCCCTGGCCAAGAAGGCATTACTGGCGCTGAAC[C>T]ATGGGCTGGACAAGGCCCACAGCCTGATGGAGCTGAGCCCCTCAGCCCCACCTGGTGGCT-3'
Protein context (NP_001369496.1, residues 609-629): LAKKALLALN[His619Tyr]GLDKAHSLME